The following is an entry in ClinVar:

NM_012472.6(DNAAF11):c.675C>A (p.Asp225Glu)

Gene: DNAAF11 (dynein axonemal assembly factor 11; minus strand). Cytogenetic location: 8q24.22.
Variant type: single nucleotide variant.
Coding change: c.675C>A on transcript NM_012472.6 (MANE Select); coding-DNA position 675, C replaced by A.
Protein change: p.Asp225Glu; replaces aspartic acid 225 with glutamic acid.
Molecular consequence: missense variant. On other transcripts: non-coding transcript variant (10).
Genome position (GRCh38, 1-based): chr8:132,625,433, G>T on the plus strand (C>A on the coding strand, the complement: DNAAF11 is on the minus strand). VCF-style: chr8-132625433-G-T. GRCh37 (hg19) VCF-style: chr8-133637679-G-T.
Other names: c.675C>A, p.Asp225Glu (NM_001321961.2); c.429C>A, p.Asp143Glu (NM_001321962.2); c.315C>A, p.Asp105Glu (NM_001321963.2, NM_001321964.2, NM_001321965.2 and 1 more transcripts); short protein forms D225E, D105E, D143E.
Identifiers: ClinVar variation 473108 (VCV000473108.8), dbSNP rs1056548399, ClinGen allele CA186274162.
Genomic context (GRCh38, chr8:132,625,433, plus strand): 5'-ATCTTCACTGTTGTCTAATTTCTTTGTGTTGTGTTCCTCTGTGTCTGGTGCCTGTAGGTG[G>T]TCTTTGCTCTCTAAAGAGGAACTAGGAAAAACAAATAGAGCACTTAAAAACAATAATGGA-3'
Protein context (NP_036604.2, residues 215-235): NATLSSLESK[Asp225Glu]HLQAPDTEEH

ClinVar aggregate classification (germline): Uncertain significance (1 of 4 stars; one submission).

Conditions:
Primary ciliary dyskinesia 19. Also called: CILIARY DYSKINESIA, PRIMARY, 19, WITH OR WITHOUT SITUS INVERSUS. Identifiers: Orphanet 244, MedGen C3543826, MONDO:0013979, OMIM 614935.

Allele frequency attached by ClinVar (database versions not stated): gnomAD 0.00001; gnomAD exomes 0.00002; TOPMed 0.00002.
gnomAD v4.1: 26 of 1,608,318 alleles (0.0016%); highest among the groups gnomAD compares: Non-Finnish European, 0.0021%; no homozygotes.

Submission:

Labcorp Genetics (formerly Invitae), Labcorp
Classification: Uncertain significance for Primary ciliary dyskinesia 19. Last evaluated: 2017-05-16. Review status: criteria provided, single submitter. Criteria: Invitae Variant Classification Sherloc (09022015). Collection method: clinical testing. Allele origin: germline.
Comment: In summary, this variant is a novel missense change that is not predicted to affect protein function. There is no indication that it causes disease, but the available evidence is currently insufficient to prove that conclusively. Therefore, it has been classified as a Variant of Uncertain Significance. Algorithms developed to predict the effect of missense changes on protein structure and function output the following: SIFT: "Tolerated"; PolyPhen-2: "Benign"; Align-GVGD: "Class C0". The glutamic acid amino acid residue is found in multiple mammalian species, suggesting that this missense change does not adversely affect protein function. These predictions have not been confirmed by published functional studies. This variant is not present in population databases (ExAC no frequency) and has not been reported in the literature in individuals with an LRRC6-related disease. This sequence change replaces aspartic acid with glutamic acid at codon 225 of the LRRC6 protein (p.Asp225Glu). The aspartic acid residue is moderately conserved and there is a small physicochemical difference between aspartic acid and glutamic acid.